The following is an entry in ClinVar:

NC_000004.11:g.(?_5612949)_(5633604_?)del

Gene: EVC2 (EvC ciliary complex subunit 2; minus strand). Cytogenetic location: 4p16.2.
Variant type: Deletion.
Identifiers: ClinVar variation 3246633 (VCV003246633.1).

ClinVar aggregate classification (germline): Likely pathogenic (1 of 4 stars; one submission).

Conditions:
Ellis-van Creveld syndrome (EVC). Also called: MESOECTODERMAL DYSPLASIA; Chondroectodermal dysplasia; EVC-Related Ellis-van Creveld Syndrome; EVC2-Related Ellis-van Creveld Syndrome. Identifiers: Orphanet 289, MedGen C0013903, MONDO:0009162, OMIM 225500.
Curry-Hall syndrome (WAD). Also called: WEYERS ACRODENTAL DYSOSTOSIS. Identifiers: Orphanet 952, MedGen C0457013, MONDO:0008673, OMIM 193530.

Submission:

Labcorp Genetics (formerly Invitae), Labcorp
Classification: Likely pathogenic for Curry-Hall syndrome; Ellis-van Creveld syndrome. Last evaluated: 2023-04-11. Review status: criteria provided, single submitter. Criteria: Invitae Variant Classification Sherloc (09022015). Collection method: clinical testing. Allele origin: unknown.
Comment: In summary, the currently available evidence indicates that the variant is pathogenic, but additional data are needed to prove that conclusively. Therefore, this variant has been classified as Likely Pathogenic. This variant disrupts a region of the EVC2 protein in which other variant(s) (p.Glu926Lys) have been observed in individuals with EVC2-related conditions (PMID: 27168972). This suggests that this is a clinically significant region of the protein, and that variants that disrupt it are likely to be disease-causing. This variant has not been reported in the literature in individuals affected with EVC2-related conditions. This variant results in the deletion of part of exon 11 and exons 12-16 (c.1626_2829+4200del) of the EVC2 gene. It is expected to disrupt RNA splicing. Variants that disrupt the donor or acceptor splice site typically lead to a loss of protein function (PMID: 16199547), and loss-of-function variants in EVC2 are known to be pathogenic (PMID: 17024374, 19810119, 19876929).

Literature cited by the submitters: PubMed 27168972; PubMed 16199547; PubMed 17024374; PubMed 19810119; PubMed 19876929.